The following is an entry in ClinVar:

ClinVar aggregate classification (germline): Pathogenic (1 of 4 stars; one submission).

Submission:

Medical Genetic Center, Changzhi Maternal and Child Health Care Hospital
Classification: Pathogenic. Last evaluated: 2025-12-10. Review status: criteria provided, single submitter. Criteria: ACMG/ClinGen CNV Guidelines, 2019. Collection method: clinical testing. Allele origin: unknown.
Comment: 2A:7q11.23 recurrent (Williams-Beuren syndrome) region (includes ELN)

GRCh38/hg38 7q11.23(chr7:73240749-74727155)x1

Genes: ABHD11 (abhydrolase domain containing 11; minus strand), ABHD11-AS1 (ABHD11 antisense RNA 1 (tail to tail); plus strand), BAZ1B (bromodomain adjacent to zinc finger domain 1B; minus strand), BCL7B (BAF chromatin remodeling complex subunit BCL7B; minus strand), BUD23 (BUD23 rRNA methyltransferase and ribosome maturation factor; plus strand) and 128 more. Cytogenetic location: 7q11.23.
Variant type: copy number loss.
Change: copy number 1 (one copy instead of two) of chr7:73,240,749-74,727,155 (1.49 Mb, GRCh38 coordinates, 1-based), cytogenetic band 7q11.23.
Identifiers: ClinVar variation 4796198 (VCV004796198.1).